The following is an entry in ClinVar:

NM_001197104.2(KMT2A):c.7801C>G (p.Leu2601Val)

Gene: KMT2A (lysine methyltransferase 2A; plus strand). Cytogenetic location: 11q23.3.
Variant type: single nucleotide variant.
Coding change: c.7801C>G on transcript NM_001197104.2 (MANE Select); coding-DNA position 7801, C replaced by G.
Protein change: p.Leu2601Val; replaces leucine 2601 with valine.
Molecular consequence: missense variant.
Genome position (GRCh38, 1-based): chr11:118,503,693, C>G. VCF-style: chr11-118503693-C-G. GRCh37 (hg19) VCF-style: chr11-118374408-C-G.
Other names: c.7891C>G, p.Leu2631Val (NM_001412597.1); c.7792C>G, p.Leu2598Val (NM_005933.4); short protein forms L2601V, L2598V, L2631V.
Identifiers: ClinVar variation 2134172 (VCV002134172.5), dbSNP rs1555046829, ClinGen allele CA382807260.
Genomic context (GRCh38, chr11:118,503,693, plus strand): 5'-ACCTCATGCCAGGATTCTCAAAGTAACAACTATCAGAATCTTCCAGTACAGGACAGAAAC[C>G]TAATGCTTCCAGATGGCCCCAAACCTCAGGAGGATGGCTCTTTTAAAAGGAGGTATCCCC-3'
Protein context (NP_001184033.1, residues 2591-2611): YQNLPVQDRN[Leu2601Val]MLPDGPKPQE

ClinVar aggregate classification (germline): Uncertain significance. Review status: criteria provided, multiple submitters, no conflicts (2 of 4 stars). 2 submissions from 2 submitters: Uncertain significance (2). Last evaluated 2025-11-23.

Conditions:
Inborn genetic diseases. Identifiers: MedGen C0950123, MeSH D030342.

Allele frequency attached by ClinVar (database versions not stated): gnomAD exomes below 0.00001.
gnomAD v4.1: 3 of 1,614,174 alleles (0.00019%); highest among the groups gnomAD compares: East Asian, 0.0045%; no homozygotes.

Submissions (2):

Ambry Genetics
Classification: Uncertain significance for Inborn genetic diseases. Last evaluated: 2025-11-23. Review status: criteria provided, single submitter. Criteria: Ambry Variant Classification Scheme 2023. Collection method: clinical testing. Allele origin: germline.

Labcorp Genetics (formerly Invitae), Labcorp
Classification: Uncertain significance. Last evaluated: 2022-05-05. Review status: criteria provided, single submitter. Criteria: Invitae Variant Classification Sherloc (09022015). Collection method: clinical testing. Allele origin: germline.
Comment: This sequence change replaces leucine, which is neutral and non-polar, with valine, which is neutral and non-polar, at codon 2601 of the KMT2A protein (p.Leu2601Val). This variant is present in population databases (no rsID available, gnomAD 0.0009%). This variant has not been reported in the literature in individuals affected with KMT2A-related conditions. Advanced modeling of protein sequence and biophysical properties (such as structural, functional, and spatial information, amino acid conservation, physicochemical variation, residue mobility, and thermodynamic stability) performed at Invitae indicates that this missense variant is not expected to disrupt KMT2A protein function. In summary, the available evidence is currently insufficient to determine the role of this variant in disease. Therefore, it has been classified as a Variant of Uncertain Significance.